The following is an entry in ClinVar:

NM_182931.3(KMT2E):c.3998C>T (p.Thr1333Ile)

Gene: KMT2E (lysine methyltransferase 2E (inactive); plus strand). Cytogenetic location: 7q22.3.
Variant type: single nucleotide variant.
Coding change: c.3998C>T on transcript NM_182931.3 (MANE Select); coding-DNA position 3998, C replaced by T.
Protein change: p.Thr1333Ile; replaces threonine 1333 with isoleucine.
Molecular consequence: missense variant.
Genome position (GRCh38, 1-based): chr7:105,110,798, C>T. VCF-style: chr7-105110798-C-T. GRCh37 (hg19) VCF-style: chr7-104751245-C-T.
Other names: c.3872C>T, p.Thr1291Ile (NM_001410908.1); c.3998C>T, p.Thr1333Ile (NM_018682.4); short protein forms T1291I, T1333I.
Identifiers: ClinVar variation 2234306 (VCV002234306.6), dbSNP rs148593590, ClinGen allele CA164022844.

ClinVar aggregate classification (germline): Uncertain significance. Review status: criteria provided, multiple submitters, no conflicts (2 of 4 stars). 3 submissions from 3 submitters: Uncertain significance (3). Last evaluated 2026-01-21.

Conditions:
Inborn genetic diseases. Identifiers: MedGen C0950123, MeSH D030342.

Allele frequency attached by ClinVar (database versions not stated): gnomAD 0.00006; TOPMed 0.00006; ESP Exome Variant Server 0.00015.
gnomAD v4.1: 16 of 1,613,974 alleles (0.00099%); highest among the groups gnomAD compares: African/African-American, 0.019%; no homozygotes.

Submissions (3):

Women's Health and Genetics/Laboratory Corporation of America, LabCorp
Classification: Uncertain significance. Last evaluated: 2026-01-21. Review status: criteria provided, single submitter. Criteria: LabCorp Variant Classification Summary - May 2015. Collection method: clinical testing. Allele origin: germline.
Comment: Variant summary: KMT2E c.3998C>T (p.Thr1333Ile) results in a non-conservative amino acid change in the encoded protein sequence. Algorithms developed to predict the effect of missense changes on protein structure and function are either unavailable or do not agree on the potential impact of this missense change. The variant was absent in 251368 control chromosomes. The available data on variant occurrences in the general population are insufficient to allow any conclusion about variant significance. To our knowledge, no occurrence of c.3998C>T in individuals affected with KMT2E-related conditions and no experimental evidence demonstrating its impact on protein function have been reported. ClinVar contains an entry for this variant (Variation ID: 2234306). Based on the evidence outlined above, the variant was classified as uncertain significance.

Ambry Genetics
Classification: Uncertain significance for Inborn genetic diseases. Last evaluated: 2025-11-13. Review status: criteria provided, single submitter. Criteria: Ambry Variant Classification Scheme 2023. Collection method: clinical testing. Allele origin: germline.

Labcorp Genetics (formerly Invitae), Labcorp
Classification: Uncertain significance. Last evaluated: 2024-03-20. Review status: criteria provided, single submitter. Criteria: Invitae Variant Classification Sherloc (09022015). Collection method: clinical testing. Allele origin: germline.
Comment: This sequence change replaces threonine, which is neutral and polar, with isoleucine, which is neutral and non-polar, at codon 1333 of the KMT2E protein (p.Thr1333Ile). This variant is not present in population databases (gnomAD no frequency). This variant has not been reported in the literature in individuals affected with KMT2E-related conditions. ClinVar contains an entry for this variant (Variation ID: 2234306). Advanced modeling of protein sequence and biophysical properties (such as structural, functional, and spatial information, amino acid conservation, physicochemical variation, residue mobility, and thermodynamic stability) performed at Invitae indicates that this missense variant is not expected to disrupt KMT2E protein function with a negative predictive value of 80%. In summary, the available evidence is currently insufficient to determine the role of this variant in disease. Therefore, it has been classified as a Variant of Uncertain Significance.